The following is an entry in ClinVar:

ClinVar aggregate classification (germline): Pathogenic (1 of 4 stars; one submission).

Conditions:
Autosomal recessive polycystic kidney disease (ARPKD). Also called: AR polycystic kidney disease. Identifiers: Orphanet 731, Orphanet 8378, MedGen C0085548, MeSH D017044, MONDO:0009889.

Submission:

Labcorp Genetics (formerly Invitae), Labcorp
Classification: Pathogenic for Autosomal recessive polycystic kidney disease. Last evaluated: 2019-09-28. Review status: criteria provided, single submitter. Criteria: Invitae Variant Classification Sherloc (09022015). Collection method: clinical testing. Allele origin: germline.
Comment: Loss-of-function variants in PKHD1 are known to be pathogenic (PMID: 19940839). For these reasons, this variant has been classified as Pathogenic. This variant has not been reported in the literature in individuals with PKHD1-related conditions. This variant is not present in population databases (ExAC no frequency). This sequence change creates a premature translational stop signal (p.Met896Ilefs*14) in the PKHD1 gene. It is expected to result in an absent or disrupted protein product.

Literature cited by the submitters: PubMed 19940839.

NM_138694.4(PKHD1):c.2688_2696delinsA (p.Met896fs)

Gene: PKHD1 (PKHD1 ciliary IPT domain containing fibrocystin/polyductin; minus strand). Cytogenetic location: 6p12.2.
Variant type: Indel.
Coding change: c.2688_2696delinsA on transcript NM_138694.4 (MANE Select); coding-DNA positions 2688 to 2696, GTTGGCTAC replaced by A.
Protein change: p.Met896fs; shifts the reading frame from methionine 896.
Molecular consequence: frameshift variant.
Genome position (GRCh38, 1-based): chr6:52,044,985-52,044,993, GTAGCCAAC replaced by T on the plus strand (GTTGGCTAC replaced by A on the coding strand, the reverse complement: PKHD1 is on the minus strand). VCF-style: chr6-52044985-GTAGCCAAC-T. GRCh37 (hg19) VCF-style: chr6-51909783-GTAGCCAAC-T.
Other names: c.2688_2696delinsA, p.Met896fs (NM_170724.3); short protein forms M896fs.
Identifiers: ClinVar variation 970433 (VCV000970433.6), dbSNP rs1805550477, ClinGen allele CA1139659609.